The following is an entry in ClinVar:

NM_080680.3(COL11A2):c.3699C>T (p.Arg1233=)

Gene: COL11A2 (collagen type XI alpha 2 chain; minus strand). Cytogenetic location: 6p21.32.
Variant type: single nucleotide variant.
Coding change: c.3699C>T on transcript NM_080680.3 (MANE Select); coding-DNA position 3699, C replaced by T.
Protein change: p.Arg1233=; no amino-acid change (arginine 1233 retained).
Molecular consequence: synonymous variant.
Genome position (GRCh38, 1-based): chr6:33,169,482, G>A on the plus strand (C>T on the coding strand, the complement: COL11A2 is on the minus strand). VCF-style: chr6-33169482-G-A. GRCh37 (hg19) VCF-style: chr6-33137259-G-A.
Other names: c.3378C>T, p.Arg1126= (NM_080679.3); c.3441C>T, p.Arg1147= (NM_080681.3).
Identifiers: ClinVar variation 197930 (VCV000197930.30), dbSNP rs151098305, ClinGen allele CA203159.
Genomic context (GRCh38, chr6:33,169,482, plus strand): 5'-AGGCCCTGGTGGCCCTGGCTCTCCTGGCTGCCCCGACTCTCCTTTCTCTCCACGTTCCCC[G>A]CGTGGACCCTGCAGAACAAGCGGAGGACACAGATGGCCCAGGGAATCTTGAAGATCAGGG-3'
Protein context (NP_542411.2, residues 1223-1243): IQGEPGVKGP[Arg1233=]GERGEKGESG

ClinVar aggregate classification (germline): Benign/Likely benign. Review status: criteria provided, multiple submitters, no conflicts (2 of 4 stars). 11 submissions from 10 submitters: Benign (7); Likely benign (1). 3 of the submissions do not count toward it. Last evaluated 2026-02-02.

Conditions:
Fibrochondrogenesis 2 (FBCG2). Identifiers: Orphanet 2021, MedGen C3281128, MONDO:0013795, OMIM 614524.
Connective tissue disorder. Also called: Connective tissue disease. Identifiers: MedGen C0009782, MONDO:0003900.
Otospondylomegaepiphyseal dysplasia, autosomal recessive (OSMEDB). Also called: CHONDRODYSTROPHY WITH SENSORINEURAL DEAFNESS; Insley-Astley syndrome. Identifiers: Orphanet 1427, MedGen CN034493, MONDO:0044206, OMIM 215150.

Allele frequency attached by ClinVar (database versions not stated): gnomAD 0.00052 and 0.00166; ESP Exome Variant Server 0.00071; TOPMed 0.00072; gnomAD exomes 0.00440; ExAC 0.00488; 1000 Genomes Project 0.00639; 1000 Genomes Project 30x 0.00765.

Submissions (13):

Labcorp Genetics (formerly Invitae), Labcorp
Classification: Benign. Last evaluated: 2026-02-02. Review status: criteria provided, single submitter. Criteria: Invitae Variant Classification Sherloc (09022015). Collection method: clinical testing. Allele origin: germline.

Genome Diagnostics Laboratory, The Hospital for Sick Children
Classification: Benign for Connective tissue disorder. Last evaluated: 2021-05-21. Review status: criteria provided, single submitter. Criteria: ACMG Guidelines, 2015. Collection method: clinical testing. Allele origin: germline.

GeneDx
Classification: Benign. Last evaluated: 2018-03-27. Review status: criteria provided, single submitter. Criteria: GeneDx Variant Classification (06012015). Collection method: clinical testing. Allele origin: germline. Affected: yes.
Comment: This variant is considered likely benign or benign based on one or more of the following criteria: it is a conservative change, it occurs at a poorly conserved position in the protein, it is predicted to be benign by multiple in silico algorithms, and/or has population frequency not consistent with disease.

Illumina Laboratory Services, Illumina
Classification: Benign for Fibrochondrogenesis 2. Last evaluated: 2018-01-13. Review status: criteria provided, single submitter. Criteria: ICSL Variant Classification Criteria 13 December 2019. Collection method: clinical testing. Allele origin: germline.
Comment: This variant was observed in the ICSL laboratory as part of a predisposition screen in an ostensibly healthy population. It had not been previously curated by ICSL or reported in the Human Gene Mutation Database (HGMD: prior to June 1st, 2018), and was therefore a candidate for classification through an automated scoring system. Utilizing variant allele frequency, disease prevalence and penetrance estimates, and inheritance mode, an automated score was calculated to assess if this variant is too frequent to cause the disease. Based on the score and internal cut-off values, a variant classified as benign is not then subjected to further curation. The score for this variant resulted in a classification of benign for this disease.

Illumina Laboratory Services, Illumina
Classification: Benign for Otospondylomegaepiphyseal dysplasia, autosomal recessive. Last evaluated: 2018-01-13. Review status: criteria provided, single submitter. Criteria: ICSL Variant Classification Criteria 13 December 2019. Collection method: clinical testing. Allele origin: germline.
Comment: the same text as in the submission from Illumina Laboratory Services, Illumina above.

Laboratory for Molecular Medicine, Mass General Brigham Personalized Medicine
Classification: Benign. Last evaluated: 2015-05-05. Review status: criteria provided, single submitter. Criteria: LMM Criteria. Collection method: clinical testing. Allele origin: germline. Observed: 5 variant alleles.
Comment: Arg1233Arg in Exon 51 of COL11A2: This variant is not expected to have clinical significance because it does not alter an amino acid residue, is not located wit hin the splice consensus sequence, and has been identified in 3.1% (505/16152) o f South Asian chromosomes including 8 homozygotes by the Exome Aggregation Conso rtium (ExAC; dbSNP rs151098305).

Eurofins Ntd Llc (ga)
Classification: Benign. Last evaluated: 2015-03-16. Review status: criteria provided, single submitter. Criteria: EGL Classification Definitions 2015. Collection method: clinical testing. Allele origin: germline. Observed: 1 variant allele, 1 heterozygote.

Breakthrough Genomics
Classification: Likely benign. Review status: criteria provided, single submitter. Criteria: ACMG Guidelines, 2015. Collection method: not provided. Allele origin: germline. Inheritance: Autosomal recessive inheritance. Affected: yes.

Clinical Genetics DNA and cytogenetics Diagnostics Lab, Erasmus MC, Erasmus Medical Center
Classification: Likely benign. Review status: no assertion criteria provided. Collection method: clinical testing. Allele origin: germline. Affected: yes. Study: VKGL Data-share Consensus. Not counted in ClinVar's aggregate classification.

Dr. Peter K. Rogan Lab, Western University
No classification provided (evidence only). Condition: Melanoma. Review status: no classification provided. Collection method: in vitro. Allele origin: not applicable. Functional consequence: retained intron. Not counted in ClinVar's aggregate classification.

Dr. Peter K. Rogan Lab, Western University
No classification provided (evidence only). Condition: Malignant lymphoma, large B-cell, diffuse. Review status: no classification provided. Collection method: in vitro. Allele origin: not applicable. Functional consequence: retained intron. Not counted in ClinVar's aggregate classification.

Genome Diagnostics Laboratory, Amsterdam University Medical Center
Classification: Benign. Review status: no assertion criteria provided. Collection method: clinical testing. Allele origin: germline. Affected: yes. Study: VKGL Data-share Consensus. Not counted in ClinVar's aggregate classification.

Joint Genome Diagnostic Labs from Nijmegen and Maastricht, Radboudumc and MUMC+
Classification: Benign. Review status: no assertion criteria provided. Collection method: clinical testing. Allele origin: germline. Affected: yes. Study: VKGL Data-share Consensus. Not counted in ClinVar's aggregate classification.